The following is an entry in ClinVar:

NM_001003800.2(BICD2):c.2101A>G (p.Lys701Glu)

Gene: BICD2 (BICD cargo adaptor 2; minus strand). Cytogenetic location: 9q22.31.
Variant type: single nucleotide variant.
Coding change: c.2101A>G on transcript NM_001003800.2 (MANE Select); coding-DNA position 2101, A replaced by G.
Protein change: p.Lys701Glu; replaces lysine 701 with glutamic acid.
Molecular consequence: missense variant.
Genome position (GRCh38, 1-based): chr9:92,718,544, T>C on the plus strand (A>G on the coding strand, the complement: BICD2 is on the minus strand). VCF-style: chr9-92718544-T-C. GRCh37 (hg19) VCF-style: chr9-95480826-T-C.
Other names: c.2101A>G, p.Lys701Glu (NM_015250.4); short protein forms K701E.
Identifiers: ClinVar variation 3654584 (VCV003654584.2).
Genomic context (GRCh38, chr9:92,718,544, plus strand): 5'-AAACACCCTTAGGCCAGTAGTAGGTGACATGTGCCCCTGCTGCCTGGCACCTCACCTGCT[T>C]GTTGGCCTTGAGCACAGTGCGCAGCGTGGTGATCTGCTCCCGCTTGGTGCTGAGCAGCGA-3'
Protein context (NP_001003800.1, residues 691-711): TTLRTVLKAN[Lys701Glu]QTAEVALANL

ClinVar aggregate classification (germline): Uncertain significance (1 of 4 stars; one submission).

Conditions:
Autosomal dominant childhood-onset proximal spinal muscular atrophy with contractures (SMALED2A). Also called: Spinal muscular atrophy, lower extremity-predominant, 2A, autosomal dominant; SPINAL MUSCULAR ATROPHY, LOWER EXTREMITY-PREDOMINANT, 2A, CHILDHOOD ONSET, AUTOSOMAL DOMINANT. Identifiers: Orphanet 363447, Orphanet 363454, MedGen C4747715, MONDO:0014121, OMIM 615290.

Submission:

Labcorp Genetics (formerly Invitae), Labcorp
Classification: Uncertain significance for Autosomal dominant childhood-onset proximal spinal muscular atrophy with contractures. Last evaluated: 2024-05-25. Review status: criteria provided, single submitter. Criteria: Invitae Variant Classification Sherloc (09022015). Collection method: clinical testing. Allele origin: germline.
Comment: This sequence change replaces lysine, which is basic and polar, with glutamic acid, which is acidic and polar, at codon 701 of the BICD2 protein (p.Lys701Glu). This variant is not present in population databases (gnomAD no frequency). This variant has not been reported in the literature in individuals affected with BICD2-related conditions. Advanced modeling of protein sequence and biophysical properties (such as structural, functional, and spatial information, amino acid conservation, physicochemical variation, residue mobility, and thermodynamic stability) performed at Invitae indicates that this missense variant is expected to disrupt BICD2 protein function with a positive predictive value of 80%. In summary, the available evidence is currently insufficient to determine the role of this variant in disease. Therefore, it has been classified as a Variant of Uncertain Significance.